The following is an entry in ClinVar:

ClinVar aggregate classification (germline): Uncertain significance (1 of 4 stars; one submission).

Conditions:
Cardiovascular phenotype. Identifiers: MedGen CN230736.

Submission:

Ambry Genetics
Classification: Uncertain significance for Cardiovascular phenotype. Last evaluated: 2026-01-02. Review status: criteria provided, single submitter. Criteria: Ambry Variant Classification Scheme 2023. Collection method: clinical testing. Allele origin: germline.
Comment: The p.I257N variant (also known as c.770T>A), located in coding exon 6 of the TRPM4 gene, results from a T to A substitution at nucleotide position 770. The isoleucine at codon 257 is replaced by asparagine, an amino acid with dissimilar properties. This amino acid position is conserved. In addition, this alteration is predicted to be tolerated by in silico analysis. Based on the available evidence, the clinical significance of this variant remains unclear.

NM_017636.4(TRPM4):c.770T>A (p.Ile257Asn)

Gene: TRPM4 (transient receptor potential cation channel subfamily M member 4; plus strand). Cytogenetic location: 19q13.33.
Variant type: single nucleotide variant.
Coding change: c.770T>A on transcript NM_017636.4 (MANE Select); coding-DNA position 770, T replaced by A.
Protein change: p.Ile257Asn; replaces isoleucine 257 with asparagine.
Molecular consequence: missense variant. On other transcripts: 5 prime UTR variant (2).
Genome position (GRCh38, 1-based): chr19:49,168,710, T>A. VCF-style: chr19-49168710-T-A. GRCh37 (hg19) VCF-style: chr19-49671967-T-A.
Other names: c.770T>A, p.Ile257Asn (NM_001195227.2); c.425T>A, p.Ile142Asn (NM_001321281.2); c.-784T>A (NM_001321282.2); c.248T>A, p.Ile83Asn (NM_001321283.2); c.-80T>A (NM_001321285.2); short protein forms I142N, I257N, I83N.
Identifiers: ClinVar variation 4841821 (VCV004841821.1).
Genomic context (GRCh38, chr19:49,168,710, plus strand): 5'-ACGGCACACACGGCTGCCTGGGGGGCGAGAACCGCTTCCGCTTGCGCCTGGAGTCCTACA[T>A]CTCACAGCAGAAGACGGGCGTGGGAGGTGAGTGGTCGAACCCATGACCCACAACCCACGA-3'
Protein context (NP_060106.2, residues 247-267): NRFRLRLESY[Ile257Asn]SQQKTGVGGT